The following is an entry in ClinVar:

ClinVar aggregate classification (germline): Uncertain significance. Review status: criteria provided, multiple submitters, no conflicts (2 of 4 stars). 4 submissions from 4 submitters: Uncertain significance (2). 2 of the submissions do not count toward it. Last evaluated 2022-06-28.

Conditions:
Retinal dystrophy. Also called: Inherited retinal dystrophy. Identifiers: Orphanet 71862, MedGen C0854723, MeSH D058499, MONDO:0019118, HP:0000556.
FLVCR1-related disorder. Also called: FLVCR1-related condition.

Allele frequency attached by ClinVar (database versions not stated): gnomAD 0.00001 and 0.00002; gnomAD exomes 0.00001 and 0.00002; TOPMed 0.00001; ExAC 0.00002; 1000 Genomes Project 30x 0.00031; 1000 Genomes Project 0.00040.
gnomAD v4.1: 19 of 1,613,986 alleles (0.0012%); highest among the groups gnomAD compares: East Asian, 0.011%; no homozygotes.

Submissions (4):

Labcorp Genetics (formerly Invitae), Labcorp
Classification: Uncertain significance. Last evaluated: 2022-06-28. Review status: criteria provided, single submitter. Criteria: Invitae Variant Classification Sherloc (09022015). Collection method: clinical testing. Allele origin: germline.
Comment: This sequence change replaces asparagine, which is neutral and polar, with serine, which is neutral and polar, at codon 262 of the FLVCR1 protein (p.Asn262Ser). In summary, the available evidence is currently insufficient to determine the role of this variant in disease. Therefore, it has been classified as a Variant of Uncertain Significance. Algorithms developed to predict the effect of missense changes on protein structure and function output the following: SIFT: "Tolerated"; PolyPhen-2: "Benign"; Align-GVGD: "Class C0". The serine amino acid residue is found in multiple mammalian species, which suggests that this missense change does not adversely affect protein function. ClinVar contains an entry for this variant (Variation ID: 585881). This variant has not been reported in the literature in individuals affected with FLVCR1-related conditions. This variant is present in population databases (rs547679833, gnomAD 0.01%).

Athena Diagnostics
Classification: Uncertain significance. Last evaluated: 2018-04-16. Review status: criteria provided, single submitter. Criteria: Athena Diagnostics Criteria. Collection method: clinical testing. Allele origin: germline.

PreventionGenetics, part of Exact Sciences
Classification: Uncertain significance for FLVCR1-related condition. Last evaluated: 2024-09-20. Review status: no assertion criteria provided. Collection method: clinical testing. Allele origin: germline. Not counted in ClinVar's aggregate classification.
Comment: The FLVCR1 c.785A>G variant is predicted to result in the amino acid substitution p.Asn262Ser. To our knowledge, this variant has not been reported in the literature. This variant is reported in 0.015% of alleles in individuals of East Asian descent in gnomAD. At this time, the clinical significance of this variant is uncertain due to the absence of conclusive functional and genetic evidence.

Institute of Human Genetics, Univ. Regensburg, Univ. Regensburg
Classification: Uncertain significance for Retinal dystrophy. Last evaluated: 2023-01-01. Review status: no assertion criteria provided. Criteria: ACMG Guidelines, 2015. Collection method: clinical testing. Allele origin: germline. Affected: yes. Not counted in ClinVar's aggregate classification.

NM_014053.4(FLVCR1):c.785A>G (p.Asn262Ser)

Gene: FLVCR1 (FLVCR choline and heme transporter 1; plus strand). Cytogenetic location: 1q32.3.
Variant type: single nucleotide variant.
Coding change: c.785A>G on transcript NM_014053.4 (MANE Select); coding-DNA position 785, A replaced by G.
Protein change: p.Asn262Ser; replaces asparagine 262 with serine.
Molecular consequence: missense variant.
Genome position (GRCh38, 1-based): chr1:212,863,771, A>G. VCF-style: chr1-212863771-A-G. GRCh37 (hg19) VCF-style: chr1-213037113-A-G.
Other names: c.785A>G (NM_014053.3); short protein forms N262S.
Identifiers: ClinVar variation 585881 (VCV000585881.12), dbSNP rs547679833, ClinGen allele CA1385967.